The following is an entry in ClinVar:

ClinVar aggregate classification (germline): Conflicting classifications of pathogenicity. Review status: criteria provided, conflicting classifications (1 of 4 stars). 3 submissions from 3 submitters: Uncertain significance (2); Likely benign (1). Last evaluated 2025-10-23.

Conditions:
Inborn genetic diseases. Identifiers: MedGen C0950123, MeSH D030342.

Allele frequency attached by ClinVar (database versions not stated): gnomAD 0.00006 and 0.00007; TOPMed 0.00008; gnomAD exomes 0.00010; ExAC 0.00012; ESP Exome Variant Server 0.00015.
gnomAD v4.1: 324 of 1,612,200 alleles (0.02%); highest among the groups gnomAD compares: Non-Finnish European, 0.025%; no homozygotes.

Submissions (3):

Ambry Genetics
Classification: Uncertain significance for Inborn genetic diseases. Last evaluated: 2025-10-23. Review status: criteria provided, single submitter. Criteria: Ambry Variant Classification Scheme 2023. Collection method: clinical testing. Allele origin: germline.

CeGaT Center for Human Genetics Tuebingen
Classification: Likely benign. Last evaluated: 2025-05-01. Review status: criteria provided, single submitter. Criteria: CeGaT Center For Human Genetics Tuebingen Variant Classification Criteria Version 2. Collection method: clinical testing. Allele origin: germline. Affected: yes. Observed: 1 variant allele.
Comment: MEGF8: BP4

GeneDx
Classification: Uncertain significance. Last evaluated: 2021-02-03. Review status: criteria provided, single submitter. Criteria: GeneDx Variant Classification Process June 2021. Collection method: clinical testing. Allele origin: germline. Affected: yes.
Comment: Has not been previously published as pathogenic or benign to our knowledge; In silico analysis supports that this missense variant does not alter protein structure/function

NM_001271938.2(MEGF8):c.5740C>G (p.Pro1914Ala)

Gene: MEGF8 (multiple EGF like domains 8; plus strand). Cytogenetic location: 19q13.2.
Variant type: single nucleotide variant.
Coding change: c.5740C>G on transcript NM_001271938.2 (MANE Select); coding-DNA position 5740, C replaced by G.
Protein change: p.Pro1914Ala; replaces proline 1914 with alanine.
Molecular consequence: missense variant.
Genome position (GRCh38, 1-based): chr19:42,362,109, C>G. VCF-style: chr19-42362109-C-G. GRCh37 (hg19) VCF-style: chr19-42866261-C-G.
Other names: c.5539C>G, p.Pro1847Ala (NM_001410.3); short protein forms P1847A, P1914A.
Identifiers: ClinVar variation 1254753 (VCV001254753.14), dbSNP rs147084460, ClinGen allele CA9475677.